The following is an entry in ClinVar:

ClinVar aggregate classification (germline): Uncertain significance (1 of 4 stars; one submission).

Allele frequency attached by ClinVar (database versions not stated): gnomAD exomes below 0.00001.

Submission:

Labcorp Genetics (formerly Invitae), Labcorp
Classification: Uncertain significance. Last evaluated: 2022-03-20. Review status: criteria provided, single submitter. Criteria: Invitae Variant Classification Sherloc (09022015). Collection method: clinical testing. Allele origin: germline.
Comment: This variant has not been reported in the literature in individuals affected with MYLK3-related conditions. Algorithms developed to predict the effect of missense changes on protein structure and function (SIFT, PolyPhen-2, Align-GVGD) all suggest that this variant is likely to be tolerated. In summary, the available evidence is currently insufficient to determine the role of this variant in disease. Therefore, it has been classified as a Variant of Uncertain Significance. This sequence change replaces proline, which is neutral and non-polar, with alanine, which is neutral and non-polar, at codon 157 of the MYLK3 protein (p.Pro157Ala). This variant is not present in population databases (gnomAD no frequency).

NM_182493.3(MYLK3):c.469C>G (p.Pro157Ala)

Gene: MYLK3 (myosin light chain kinase 3; minus strand). Cytogenetic location: 16q11.2.
Variant type: single nucleotide variant.
Coding change: c.469C>G on transcript NM_182493.3 (MANE Select); coding-DNA position 469, C replaced by G.
Protein change: p.Pro157Ala; replaces proline 157 with alanine.
Molecular consequence: missense variant. On other transcripts: intron variant (1).
Genome position (GRCh38, 1-based): chr16:46,747,725, G>C on the plus strand (C>G on the coding strand, the complement: MYLK3 is on the minus strand). VCF-style: chr16-46747725-G-C. GRCh37 (hg19) VCF-style: chr16-46781637-G-C.
Other names: c.-113-7578C>G (NM_001308301.1); short protein forms P157A.
Identifiers: ClinVar variation 1517634 (VCV001517634.6), dbSNP rs2143017152, ClinGen allele CA395796742.